The following is an entry in ClinVar:

NM_014263.4(YME1L1):c.380A>T (p.His127Leu)

Gene: YME1L1 (YME1 like 1 ATPase; minus strand). Cytogenetic location: 10p12.1.
Variant type: single nucleotide variant.
Coding change: c.380A>T on transcript NM_014263.4 (MANE Select); coding-DNA position 380, A replaced by T.
Protein change: p.His127Leu; replaces histidine 127 with leucine.
Molecular consequence: missense variant. On other transcripts: intron variant (1).
Genome position (GRCh38, 1-based): chr10:27,142,437, T>A on the plus strand (A>T on the coding strand, the complement: YME1L1 is on the minus strand). VCF-style: chr10-27142437-T-A. GRCh37 (hg19) VCF-style: chr10-27431366-T-A.
Other names: c.551A>T, p.His184Leu (NM_139312.3); c.331+2991A>T (NM_001253866.2); short protein forms H127L, H184L.
Identifiers: ClinVar variation 3683787 (VCV003683787.2).

ClinVar aggregate classification (germline): Uncertain significance (1 of 4 stars; one submission).

gnomAD v4.1: 2 of 1,532,382 alleles (0.00013%); highest among the groups gnomAD compares: East Asian, 0.0025%; no homozygotes.

Submission:

Labcorp Genetics (formerly Invitae), Labcorp
Classification: Uncertain significance. Last evaluated: 2025-06-09. Review status: criteria provided, single submitter. Criteria: Invitae Variant Classification Sherloc (09022015). Collection method: clinical testing. Allele origin: germline.
Comment: This sequence change replaces histidine, which is basic and polar, with leucine, which is neutral and non-polar, at codon 184 of the YME1L1 protein (p.His184Leu). This variant is present in population databases (rs550855751, gnomAD 0.02%). This variant has not been reported in the literature in individuals affected with YME1L1-related conditions. ClinVar contains an entry for this variant (Variation ID: 3683787). An algorithm developed to predict the effect of missense changes on protein structure and function (PolyPhen-2) suggests that this variant is likely to be tolerated. In summary, the available evidence is currently insufficient to determine the role of this variant in disease. Therefore, it has been classified as a Variant of Uncertain Significance.